The following is an entry in ClinVar:

NM_006031.6(PCNT):c.2260G>T (p.Val754Phe)

Gene: PCNT (pericentrin; plus strand). Cytogenetic location: 21q22.3.
Variant type: single nucleotide variant.
Coding change: c.2260G>T on transcript NM_006031.6 (MANE Select); coding-DNA position 2260, G replaced by T.
Protein change: p.Val754Phe; replaces valine 754 with phenylalanine.
Molecular consequence: missense variant.
Genome position (GRCh38, 1-based): chr21:46,363,585, G>T. VCF-style: chr21-46363585-G-T. GRCh37 (hg19) VCF-style: chr21-47783500-G-T.
Other names: c.1906G>T, p.Val636Phe (NM_001315529.2); short protein forms V754F, V636F.
Identifiers: ClinVar variation 449159 (VCV000449159.4), dbSNP rs375312732, ClinGen allele CA10078936.

ClinVar aggregate classification (germline): Uncertain significance. Review status: criteria provided, single submitter (1 of 4 stars). 2 submissions from 2 submitters: Uncertain significance (1). 1 of the submissions does not count toward it. Last evaluated 2015-03-24.

Conditions:
PCNT-related disorder. Also called: PCNT-related condition.

Allele frequency attached by ClinVar (database versions not stated): gnomAD exomes 0.00001 and 0.00002; ExAC 0.00002; TOPMed 0.00011; ESP Exome Variant Server 0.00015; gnomAD 0.00015 and 0.00017.
gnomAD v4.1: 34 of 1,614,104 alleles (0.0021%); highest among the groups gnomAD compares: African/African-American, 0.045%; no homozygotes.

Submissions (2):

GeneDx
Classification: Uncertain significance. Last evaluated: 2015-03-24. Review status: criteria provided, single submitter. Criteria: GeneDx Variant Classification (06012015). Collection method: clinical testing. Allele origin: germline. Affected: yes.
Comment: A variant of unknown significance has been identified in the PCNT gene. The V754F variant has not been published as a pathogenic variant, nor has it been reported as a benign polymorphism to our knowledge. The V754F variant was not observed with any significant frequency in approximately 6,500 individuals of European and African American ancestry in the NHLBI Exome Sequencing Project. The V754F variant is a semi-conservative amino acid substitution, which may impact secondary protein structure as these residues differ in some properties. However, this substitution occurs at a position that is not conserved across species, and in silico analysis predicts this variant likely does not alter the protein structure/function. Additionally, missense pathogenic variants in nearby residues have not been reported in the Human Gene Mutation Database in association with PCNT-related disorders (Stenson et al., 2014). Therefore, based on the currently available information, it is unclear whether this variant is a pathogenic variant or a rare benign variant.

PreventionGenetics, part of Exact Sciences
Classification: Uncertain significance for PCNT-related condition. Last evaluated: 2024-05-06. Review status: no assertion criteria provided. Collection method: clinical testing. Allele origin: germline. Not counted in ClinVar's aggregate classification.
Comment: The PCNT c.2260G>T variant is predicted to result in the amino acid substitution p.Val754Phe. To our knowledge, this variant has not been reported in the literature. This variant is reported in 0.052% of alleles in individuals of African descent in gnomAD, which may be too common to be a primary cause of disease. Although we suspect that this variant may be benign, at this time, the clinical significance of this variant is uncertain due to the absence of conclusive functional and genetic evidence.